The following is an entry in ClinVar:

NM_021930.6(RINT1):c.574G>A (p.Val192Met)

Gene: RINT1 (RAD50 interactor 1; plus strand). Cytogenetic location: 7q22.3.
Variant type: single nucleotide variant.
Coding change: c.574G>A on transcript NM_021930.6 (MANE Select); coding-DNA position 574, G replaced by A.
Protein change: p.Val192Met; replaces valine 192 with methionine.
Molecular consequence: missense variant. On other transcripts: 5 prime UTR variant (2), non-coding transcript variant (1), intron variant (1).
Genome position (GRCh38, 1-based): chr7:105,546,968, G>A. VCF-style: chr7-105546968-G-A. GRCh37 (hg19) VCF-style: chr7-105187415-G-A.
Other names: c.340G>A, p.Val114Met (NM_001346599.2); c.-446G>A (NM_001346600.2); c.-349G>A (NM_001346601.2); c.-27-3087G>A (NM_001346603.2); short protein forms V114M, V192M.
Identifiers: ClinVar variation 1024730 (VCV001024730.12), dbSNP rs758911071, ClinGen allele CA4426472.

ClinVar aggregate classification (germline): Uncertain significance. Review status: criteria provided, multiple submitters, no conflicts (2 of 4 stars). 2 submissions from 2 submitters: Uncertain significance (2). Last evaluated 2024-04-14.

Allele frequency attached by ClinVar (database versions not stated): ExAC 0.00001; gnomAD exomes 0.00001; TOPMed 0.00001.
gnomAD v4.1: 3 of 1,613,916 alleles (0.00019%); highest among the groups gnomAD compares: Admixed American, 0.0033%; no homozygotes.

Submissions (2):

Ambry Genetics
Classification: Uncertain significance. Last evaluated: 2024-04-14. Review status: criteria provided, single submitter. Criteria: Ambry Variant Classification Scheme 2023. Collection method: clinical testing. Allele origin: germline.
Comment: The p.V192M variant (also known as c.574G>A), located in coding exon 5 of the RINT1 gene, results from a G to A substitution at nucleotide position 574. The valine at codon 192 is replaced by methionine, an amino acid with highly similar properties. This amino acid position is not well conserved in available vertebrate species. In addition, this alteration is predicted to be tolerated by in silico analysis. The evidence for this gene-disease relationship is limited; therefore, the clinical significance of this alteration is unclear.

Labcorp Genetics (formerly Invitae), Labcorp
Classification: Uncertain significance. Last evaluated: 2022-02-03. Review status: criteria provided, single submitter. Criteria: Invitae Variant Classification Sherloc (09022015). Collection method: clinical testing. Allele origin: germline.
Comment: In summary, the available evidence is currently insufficient to determine the role of this variant in disease. Therefore, it has been classified as a Variant of Uncertain Significance. Algorithms developed to predict the effect of missense changes on protein structure and function (SIFT, PolyPhen-2, Align-GVGD) all suggest that this variant is likely to be tolerated. ClinVar contains an entry for this variant (Variation ID: 1024730). This variant has not been reported in the literature in individuals affected with RINT1-related conditions. This variant is present in population databases (rs758911071, gnomAD 0.006%). This sequence change replaces valine, which is neutral and non-polar, with methionine, which is neutral and non-polar, at codon 192 of the RINT1 protein (p.Val192Met).